The following is an entry in ClinVar:

ClinVar aggregate classification (germline): Uncertain significance. Review status: criteria provided, multiple submitters, no conflicts (2 of 4 stars). 3 submissions from 3 submitters: Uncertain significance (2). 1 of the submissions does not count toward it. Last evaluated 2025-10-23.

Conditions:
PLXNA2-related disorder. Also called: PLXNA2-related condition.
Autism (AUTS). Also called: Autistic disorder; Autistic disorder of childhood onset. Identifiers: MedGen C0004352, MeSH D001321, MONDO:0005260, OMIM 209850, HP:0000717.

Allele frequency attached by ClinVar (database versions not stated): gnomAD exomes 0.00006 and 0.00014; 1000 Genomes Project 0.00040; ESP Exome Variant Server 0.00008; gnomAD 0.00008 and 0.00006; 1000 Genomes Project 30x 0.00031; ExAC 0.00014.
gnomAD v4.1: 96 of 1,612,926 alleles (0.006%); highest among the groups gnomAD compares: Admixed American, 0.052%; no homozygotes.

Submissions (3):

Labcorp Genetics (formerly Invitae), Labcorp
Classification: Uncertain significance. Last evaluated: 2025-10-23. Review status: criteria provided, single submitter. Criteria: Invitae Variant Classification Sherloc (09022015). Collection method: clinical testing. Allele origin: germline.
Comment: This sequence change replaces arginine, which is basic and polar, with glutamine, which is neutral and polar, at codon 1635 of the PLXNA2 protein (p.Arg1635Gln). This variant is present in population databases (rs377729868, gnomAD 0.07%), and has an allele count higher than expected for a pathogenic variant. This variant has not been reported in the literature in individuals affected with PLXNA2-related conditions. ClinVar contains an entry for this variant (Variation ID: 1510603). Invitae Evidence Modeling of protein sequence and biophysical properties (such as structural, functional, and spatial information, amino acid conservation, physicochemical variation, residue mobility, and thermodynamic stability) indicates that this missense variant is not expected to disrupt PLXNA2 protein function with a negative predictive value of 80%. In summary, the available evidence is currently insufficient to determine the role of this variant in disease. Therefore, it has been classified as a Variant of Uncertain Significance.

Plataforma de Genómica Funcional - SJD, Institut De Recerca Sant Joan De Déu
Classification: Uncertain significance for Autism. Last evaluated: 2025-09-18. Review status: criteria provided, single submitter. Criteria: ACMG Guidelines, 2015. Collection method: clinical testing. Allele origin: paternal. Inheritance: Autosomal recessive inheritance. Affected: yes. Observed: 1 variant allele, 1 heterozygote.
Comment: The c.4904G>A variant in PLXNA2 (NM_025179.3) results in a missense substitution, replacing arginine with glutamine at position 1635 (p.(Arg1635Gln)). This variant is reported at extremely low frequency in population databases (gnomAD v4.1; PM2_supporting). This variant has been described in cis with another VUS, c.614G>A (p.(Arg205Gln); ClinVar Variation ID: 1442819), and with the homozygous c.1461G>T (p.(Leu487Phe)) in an individual with ASD (PMID: 33749153). Functional studies performed in patient's fibroblasts showed inconclusive results (PMID: 33749153). In summary, this variant meets the criteria to be classified as Variant of Uncertain Significance based on the ACMG/AMP criteria applied.

PreventionGenetics, part of Exact Sciences
Classification: Uncertain significance for PLXNA2-related condition. Last evaluated: 2024-06-24. Review status: no assertion criteria provided. Collection method: clinical testing. Allele origin: germline. Not counted in ClinVar's aggregate classification.
Comment: The PLXNA2 c.4904G>A variant is predicted to result in the amino acid substitution p.Arg1635Gln. This variant has been reported in an individual with autism spectrum disorder with a complex neurobehavioral phenotype, epilepsy, and attention deficit hyperactivity disorder, along with other variants in PLXNA2 and LRRC40 (Pijuan et al. 2021. PubMed ID: 33749153). Although functional studies were performed in patient fibroblasts they did not directly test the effect of this variant on protein function. This variant is reported in 0.073% of alleles in individuals of Latino descent in gnomAD, which may be too common to be a causative variant. Although we suspect that this variant may be benign, at this time, the clinical significance of this variant is uncertain due to the absence of conclusive functional and genetic evidence.

Literature cited by the submitters: PubMed 33749153 (cited by Plataforma de Genómica Funcional - SJD, Institut De Recerca Sant Joan De Déu).

NM_025179.4(PLXNA2):c.4904G>A (p.Arg1635Gln)

Gene: PLXNA2 (plexin A2; minus strand). Cytogenetic location: 1q32.2.
Variant type: single nucleotide variant.
Coding change: c.4904G>A on transcript NM_025179.4 (MANE Select); coding-DNA position 4904, G replaced by A.
Protein change: p.Arg1635Gln; replaces arginine 1635 with glutamine.
Molecular consequence: missense variant.
Genome position (GRCh38, 1-based): chr1:208,033,470, C>T on the plus strand (G>A on the coding strand, the complement: PLXNA2 is on the minus strand). VCF-style: chr1-208033470-C-T. GRCh37 (hg19) VCF-style: chr1-208206815-C-T.
Other names: c.4904G>A (NM_025179.3); short protein forms R1635Q.
Identifiers: ClinVar variation 1510603 (VCV001510603.9), dbSNP rs377729868, ClinGen allele CA1372713.